The following is an entry in ClinVar:

ClinVar aggregate classification (germline): Likely pathogenic (1 of 4 stars; one submission).

Conditions:
Autosomal recessive limb-girdle muscular dystrophy type 2J (LGMDR10). Also called: Limb-girdle muscular dystrophy, type 2J; MUSCULAR DYSTROPHY, LIMB-GIRDLE, AUTOSOMAL RECESSIVE 10. Identifiers: Orphanet 140922, MedGen C1837342, MONDO:0012127, OMIM 608807.
Dilated cardiomyopathy 1G (CMD1G). Identifiers: Orphanet 154, MedGen C1858763, MONDO:0011400, OMIM 604145.

Submission:

Labcorp Genetics (formerly Invitae), Labcorp
Classification: Likely pathogenic for Dilated cardiomyopathy 1G; Autosomal recessive limb-girdle muscular dystrophy type 2J. Last evaluated: 2025-04-30. Review status: criteria provided, single submitter. Criteria: Invitae Variant Classification Sherloc (09022015). Collection method: clinical testing. Allele origin: germline.
Comment: This sequence change creates a premature translational stop signal (p.Lys865Glufs*4) in the TTN gene. While this is not anticipated to result in nonsense mediated decay, it is expected to create a truncated TTN protein. This variant is not present in population databases (gnomAD no frequency). This variant has not been observed in the literature in individuals with autosomal recessive TTN-related conditions. This variant has been reported in individual(s) with autosomal dominant dilated cardiomyopathy (internal data); however, the role of the variant in this condition is currently unclear. This variant is located in the Z band of TTN (PMID: 25589632). Truncating variants in this region have been reported in individuals affected with autosomal recessive centronuclear myopathy (PMID: 33449170, internal data). Truncating variants in this region have also been identified in individuals affected with autosomal dominant dilated cardiomyopathy and/or cardio-related conditions (PMID: 27869827, 32964742, internal data). In summary, the currently available evidence indicates that the variant is pathogenic, but additional data are needed to prove that conclusively. Therefore, this variant has been classified as Likely Pathogenic.

Literature cited by the submitters: PubMed 25589632; PubMed 33449170; PubMed 27869827; PubMed 32964742.

NM_001267550.2(TTN):c.2592dup (p.Lys865fs)

Gene: TTN (titin; minus strand). Cytogenetic location: 2q31.2.
Variant type: Duplication.
Coding change: c.2592dup on transcript NM_001267550.2 (MANE Select); coding-DNA position 2592, one base duplicated (G; older notation c.2592dupG).
Protein change: p.Lys865fs; shifts the reading frame from lysine 865.
Molecular consequence: frameshift variant.
Genome position (GRCh38, 1-based): chr2:178,784,253, C duplicated on the plus strand (G on the coding strand, the reverse complement: TTN is on the minus strand). VCF-style (leftmost placement, unchanged base first): chr2-178784252-T-TC. GRCh37 (hg19) VCF-style: chr2-179648979-T-TC.
Other names: c.2592dup, p.Lys865fs (NM_001256850.1, NM_133378.4, NM_133379.5); c.2454dup, p.Lys819fs (NM_003319.4, NM_133432.3, NM_133437.4); short protein forms K819fs, K865fs.
Identifiers: ClinVar variation 4784876 (VCV004784876.1).